The following is an entry in ClinVar:

NM_005228.5(EGFR):c.629-3C>T

Gene: EGFR (epidermal growth factor receptor; plus strand). Cytogenetic location: 7p11.2.
Variant type: single nucleotide variant.
Coding change: c.629-3C>T on transcript NM_005228.5 (MANE Select); 3 bases into the intron before coding-DNA position 629, C replaced by T.
Molecular consequence: intron variant.
Genome position (GRCh38, 1-based): chr7:55,152,543, C>T. VCF-style: chr7-55152543-C-T. GRCh37 (hg19) VCF-style: chr7-55220236-C-T.
Other names: c.494-3C>T (NM_001346899.2, NM_001346897.2); c.89-3287C>T (NM_001346941.2); c.629-3C>T (NM_001346898.2, NM_201284.2, NM_201282.2 and 2 more transcripts); c.470-3C>T (NM_001346900.2).
Identifiers: ClinVar variation 1054284 (VCV001054284.10), dbSNP rs2128933632, ClinGen allele CA2499218912.
Genomic context (GRCh38, chr7:55,152,543, plus strand): 5'-CATCCCTGGGAAATGATCCTACCCTCACTCTTCAGCTCACAGGGAACCTTTGCTCTTTTT[C>T]AGTGACCAAAATCATCTGTGCCCAGCAGTGCTCCGGGCGCTGCCGTGGCAAGTCCCCCAG-3'

ClinVar aggregate classification (germline): Uncertain significance. Review status: criteria provided, multiple submitters, no conflicts (2 of 4 stars). 2 submissions from 2 submitters: Uncertain significance (2). Last evaluated 2026-01-11.

Conditions:
EGFR-related lung cancer (EGFR). Identifiers: MedGen CN130014.
Hereditary cancer-predisposing syndrome. Also called: Hereditary Cancer Syndrome; Tumor predisposition; Hereditary neoplastic syndrome; Neoplastic Syndromes, Hereditary. Identifiers: Orphanet 140162, MedGen C0027672, MeSH D009386, MONDO:0015356.

gnomAD v4.1: 1 of 1,613,728 alleles (0.000062%); no homozygotes.

Submissions (2):

Labcorp Genetics (formerly Invitae), Labcorp
Classification: Uncertain significance for EGFR-related lung cancer. Last evaluated: 2026-01-11. Review status: criteria provided, single submitter. Criteria: Invitae Variant Classification Sherloc (09022015). Collection method: clinical testing. Allele origin: germline.
Comment: This sequence change falls in intron 5 of the EGFR gene. It does not directly change the encoded amino acid sequence of the EGFR protein. It affects a nucleotide within the consensus splice site. This variant is not present in population databases (gnomAD no frequency). This variant has not been reported in the literature in individuals affected with EGFR-related conditions. ClinVar contains an entry for this variant (Variation ID: 1054284). Variants that disrupt the consensus splice site are a relatively common cause of aberrant splicing (PMID: 17576681, 9536098). Algorithms developed to predict the effect of sequence changes on RNA splicing suggest that this variant is not likely to affect RNA splicing. In summary, the available evidence is currently insufficient to determine the role of this variant in disease. Therefore, it has been classified as a Variant of Uncertain Significance.

Ambry Genetics
Classification: Uncertain significance for Hereditary cancer-predisposing syndrome. Last evaluated: 2025-03-05. Review status: criteria provided, single submitter. Criteria: Ambry Variant Classification Scheme 2023. Collection method: clinical testing. Allele origin: germline.
Comment: The c.629-3C>T intronic variant results from a C to T substitution 3 nucleotides upstream from coding exon 6 in the EGFR gene. This nucleotide position is well conserved in available vertebrate species. In silico splice site analysis predicts that this alteration will not have any significant effect on splicing. Based on the available evidence, the clinical significance of this variant remains unclear.

Literature cited by the submitters: PubMed 17576681 (cited by Labcorp Genetics (formerly Invitae), Labcorp); PubMed 9536098 (cited by Labcorp Genetics (formerly Invitae), Labcorp).